The following is an entry in ClinVar:

NM_001134363.3(RBM20):c.2254T>C (p.Tyr752His)

Gene: RBM20 (RNA binding motif protein 20; plus strand). Cytogenetic location: 10q25.2.
Variant type: single nucleotide variant.
Coding change: c.2254T>C on transcript NM_001134363.3 (MANE Select); coding-DNA position 2254, T replaced by C.
Protein change: p.Tyr752His; replaces tyrosine 752 with histidine.
Molecular consequence: missense variant.
Genome position (GRCh38, 1-based): chr10:110,812,651, T>C. VCF-style: chr10-110812651-T-C. GRCh37 (hg19) VCF-style: chr10-112572409-T-C.
Other names: short protein forms Y752H.
Identifiers: ClinVar variation 3313224 (VCV003313224.2).

ClinVar aggregate classification (germline): Uncertain significance. Review status: criteria provided, multiple submitters, no conflicts (2 of 4 stars). 2 submissions from 2 submitters: Uncertain significance (2). Last evaluated 2025-05-17.

Conditions:
Dilated cardiomyopathy 1DD (CMD1DD). Identifiers: Orphanet 154, MedGen C2750995, MONDO:0013168, OMIM 613172.
Cardiovascular phenotype. Identifiers: MedGen CN230736.

gnomAD v4.1: 1 of 1,551,508 alleles (0.000064%); highest among the groups gnomAD compares: Non-Finnish European, 0.000087%; no homozygotes.

Submissions (2):

Labcorp Genetics (formerly Invitae), Labcorp
Classification: Uncertain significance for Dilated cardiomyopathy 1DD. Last evaluated: 2025-05-17. Review status: criteria provided, single submitter. Criteria: Invitae Variant Classification Sherloc (09022015). Collection method: clinical testing. Allele origin: germline.
Comment: This sequence change replaces tyrosine, which is neutral and polar, with histidine, which is basic and polar, at codon 752 of the RBM20 protein (p.Tyr752His). This variant is not present in population databases (gnomAD no frequency). This variant has not been reported in the literature in individuals affected with RBM20-related conditions. ClinVar contains an entry for this variant (Variation ID: 3313224). Invitae Evidence Modeling of protein sequence and biophysical properties (such as structural, functional, and spatial information, amino acid conservation, physicochemical variation, residue mobility, and thermodynamic stability) indicates that this missense variant is not expected to disrupt RBM20 protein function with a negative predictive value of 95%. In summary, the available evidence is currently insufficient to determine the role of this variant in disease. Therefore, it has been classified as a Variant of Uncertain Significance.

Ambry Genetics
Classification: Uncertain significance for Cardiovascular phenotype. Last evaluated: 2024-04-26. Review status: criteria provided, single submitter. Criteria: Ambry Variant Classification Scheme 2023. Collection method: clinical testing. Allele origin: germline.
Comment: The p.Y752H variant (also known as c.2254T>C), located in coding exon 9 of the RBM20 gene, results from a T to C substitution at nucleotide position 2254. The tyrosine at codon 752 is replaced by histidine, an amino acid with similar properties. This amino acid position is conserved. In addition, this alteration is predicted to be tolerated by in silico analysis. Based on the available evidence, the clinical significance of this variant remains unclear.